The following is an entry in ClinVar:

ClinVar aggregate classification (germline): Benign/Likely benign. Review status: criteria provided, multiple submitters, no conflicts (2 of 4 stars). 5 submissions from 5 submitters: Benign (2); Likely benign (2). 1 of the submissions does not count toward it. Last evaluated 2026-01-19.

Conditions:
DSG1-related disorder. Also called: DSG1-related condition.

Allele frequency attached by ClinVar (database versions not stated): ESP Exome Variant Server 0.00046; 1000 Genomes Project 30x 0.00109; gnomAD 0.00115 and 0.00116; 1000 Genomes Project 0.00120; TOPMed 0.00151; ExAC 0.00170; gnomAD exomes 0.00213.
gnomAD v4.1: 1,812 of 1,614,132 alleles (0.11%); highest among the groups gnomAD compares: Admixed American, 0.67%; 4 homozygotes.

Submissions (5):

Labcorp Genetics (formerly Invitae), Labcorp
Classification: Benign. Last evaluated: 2026-01-19. Review status: criteria provided, single submitter. Criteria: Invitae Variant Classification Sherloc (09022015). Collection method: clinical testing. Allele origin: germline.

Blueprint Genetics
Classification: Likely benign. Last evaluated: 2024-11-18. Review status: criteria provided, single submitter. Criteria: ACMG Guidelines, 2015. Collection method: clinical testing. Allele origin: germline.

CeGaT Center for Human Genetics Tuebingen
Classification: Likely benign. Last evaluated: 2022-05-01. Review status: criteria provided, single submitter. Criteria: CeGaT Center For Human Genetics Tuebingen Variant Classification Criteria Version 2. Collection method: clinical testing. Allele origin: germline. Affected: yes. Observed: 1 variant allele.
Comment: DSG1: BS2

Breakthrough Genomics
Classification: Benign. Review status: criteria provided, single submitter. Criteria: ACMG Guidelines, 2015. Collection method: not provided. Allele origin: germline. Inheritance: Autosomal recessive inheritance. Affected: yes.

PreventionGenetics, part of Exact Sciences
Classification: Benign for DSG1-related condition. Last evaluated: 2020-07-01. Review status: no assertion criteria provided. Collection method: clinical testing. Allele origin: germline. Not counted in ClinVar's aggregate classification.
Comment: This variant is classified as benign based on ACMG/AMP sequence variant interpretation guidelines (Richards et al. 2015 PMID: 25741868, with internal and published modifications).

NM_001942.4(DSG1):c.2134C>T (p.Arg712Cys)

Genes: DSG1 (desmoglein 1; plus strand), DSG1-AS1 (DSG1 antisense RNA 1; minus strand), LOC126862720 (MED14-independent group 3 enhancer GRCh37_chr18:28933613-28934812; plus strand). Cytogenetic location: 18q12.1.
Variant type: single nucleotide variant.
Coding change: c.2134C>T on transcript NM_001942.4 (MANE Select); coding-DNA position 2134, C replaced by T.
Protein change: p.Arg712Cys; replaces arginine 712 with cysteine.
Molecular consequence: missense variant. On other transcripts: non-coding transcript variant (1).
Genome position (GRCh38, 1-based): chr18:31,354,330, C>T. VCF-style: chr18-31354330-C-T. GRCh37 (hg19) VCF-style: chr18-28934293-C-T.
Other names: short protein forms R712C.
Identifiers: ClinVar variation 785908 (VCV000785908.36), dbSNP rs149191001, ClinGen allele CA8926288.
Genomic context (GRCh38, chr18:31,354,330, plus strand): 5'-CATTTTCTCTTTCTCCTATAAATTCAGAAAGCATATGCTTACGCAGATGAAGATGAAGGA[C>T]GCCCATCTAATGACTGTTTGCTCATATATGACATCGAAGGTGTAGGTTCCCCTGCTGGCT-3'
Protein context (NP_001933.2, residues 702-722): AYAYADEDEG[Arg712Cys]PSNDCLLIYD